The following is an entry in ClinVar:

ClinVar aggregate classification (germline): Uncertain significance. Review status: criteria provided, multiple submitters, no conflicts (2 of 4 stars). 5 submissions from 5 submitters: Uncertain significance (4). 1 of the submissions does not count toward it. Last evaluated 2025-03-05.

Conditions:
PKHD1-related disorder. Also called: PKHD1-related condition.
Polycystic kidney disease 4 (PKD4). Also called: POLYCYSTIC KIDNEY AND HEPATIC DISEASE 1; POLYCYSTIC KIDNEY DISEASE, INFANTILE, TYPE I; Autosomal Recessive Polycystic Kidney Disease – PKHD1; PKD3; POLYCYSTIC KIDNEY DISEASE 4 WITH OR WITHOUT POLYCYSTIC LIVER DISEASE. Identifiers: MedGen C4540575, MONDO:0033004, OMIM 263200.
Autosomal recessive polycystic kidney disease (ARPKD). Also called: AR polycystic kidney disease. Identifiers: Orphanet 731, Orphanet 8378, MedGen C0085548, MeSH D017044, MONDO:0009889.

Allele frequency attached by ClinVar (database versions not stated): gnomAD exomes 0.00002; gnomAD 0.00004; TOPMed 0.00006.
gnomAD v4.1: 28 of 1,612,958 alleles (0.0017%); highest among the groups gnomAD compares: Middle Eastern, 0.016%; no homozygotes.

Submissions (5):

PreventionGenetics, part of Exact Sciences
Classification: Uncertain significance for PKHD1-related condition. Last evaluated: 2025-03-05. Review status: criteria provided, single submitter. Criteria: ACMG Guidelines, 2015. Collection method: clinical testing. Allele origin: germline.
Comment: The PKHD1 c.2639G>A variant is predicted to result in the amino acid substitution p.Arg880His. To our knowledge, this variant has not been reported in the literature. This variant is reported in 0.012% of alleles in individuals of African descent in gnomAD. Of note, a different substitution at the same codon, defined as c.2639G>C (p.Arg880Pro), was reported with a pathogenic variant c.107C>T (p.Thr36Met) in an individual with polycystic kidney disease, but the clinical significance was uncertain (Supplementary Table S3 and S4 of Burgmaier et al. 2021. PubMed ID: 33940108). At this time, the clinical significance of the c.2639G>A (p.Arg880His) variant is uncertain due to the absence of conclusive functional and genetic evidence.

Fulgent Genetics
Classification: Uncertain significance for Polycystic kidney disease 4. Last evaluated: 2024-04-29. Review status: criteria provided, single submitter. Criteria: ACMG Guidelines, 2015. Collection method: clinical testing. Allele origin: germline.

Labcorp Genetics (formerly Invitae), Labcorp
Classification: Uncertain significance for Autosomal recessive polycystic kidney disease. Last evaluated: 2019-07-09. Review status: criteria provided, single submitter. Criteria: Invitae Variant Classification Sherloc (09022015). Collection method: clinical testing. Allele origin: germline.
Comment: This sequence change replaces arginine with histidine at codon 880 of the PKHD1 protein (p.Arg880His). The arginine residue is moderately conserved and there is a small physicochemical difference between arginine and histidine. This variant is not present in population databases (ExAC no frequency). This variant has not been reported in the literature in individuals with PKHD1-related disease. ClinVar contains an entry for this variant (Variation ID: 282054). Algorithms developed to predict the effect of missense changes on protein structure and function do not agree on the potential impact of this missense change (SIFT: "Tolerated"; PolyPhen-2: "Probably Damaging"; Align-GVGD: "Class C0"). In summary, the available evidence is currently insufficient to determine the role of this variant in disease. Therefore, it has been classified as a Variant of Uncertain Significance.

Eurofins Ntd Llc (ga)
Classification: Uncertain significance. Last evaluated: 2015-07-23. Review status: criteria provided, single submitter. Criteria: EGL Classification Definitions 2015. Collection method: clinical testing. Allele origin: germline. Observed: 1 variant allele, 1 heterozygote.

Natera, Inc.
Classification: Uncertain significance for Autosomal recessive polycystic kidney disease. Last evaluated: 2018-07-28. Review status: no assertion criteria provided. Collection method: clinical testing. Allele origin: germline. Not counted in ClinVar's aggregate classification.

NM_138694.4(PKHD1):c.2639G>A (p.Arg880His)

Gene: PKHD1 (PKHD1 ciliary IPT domain containing fibrocystin/polyductin; minus strand). Cytogenetic location: 6p12.2.
Variant type: single nucleotide variant.
Coding change: c.2639G>A on transcript NM_138694.4 (MANE Select); coding-DNA position 2639, G replaced by A.
Protein change: p.Arg880His; replaces arginine 880 with histidine.
Molecular consequence: missense variant.
Genome position (GRCh38, 1-based): chr6:52,045,042, C>T on the plus strand (G>A on the coding strand, the complement: PKHD1 is on the minus strand). VCF-style: chr6-52045042-C-T. GRCh37 (hg19) VCF-style: chr6-51909840-C-T.
Other names: c.2639G>A, p.Arg880His (NM_170724.3); short protein forms R880H.
Identifiers: ClinVar variation 282054 (VCV000282054.14), dbSNP rs886042298, ClinGen allele CA10604054.